The following is an entry in ClinVar:

NM_001009944.3(PKD1):c.1758A>C (p.Glu586Asp)

Gene: PKD1 (polycystin 1, transient receptor potential channel interacting; minus strand). Cytogenetic location: 16p13.3.
Variant type: single nucleotide variant.
Coding change: c.1758A>C on transcript NM_001009944.3 (MANE Select); coding-DNA position 1758, A replaced by C.
Protein change: p.Glu586Asp; replaces glutamic acid 586 with aspartic acid.
Molecular consequence: missense variant.
Genome position (GRCh38, 1-based): chr16:2,116,083, T>G on the plus strand (A>C on the coding strand, the complement: PKD1 is on the minus strand). VCF-style: chr16-2116083-T-G. GRCh37 (hg19) VCF-style: chr16-2166084-T-G.
Other names: p.Glu586Asp; c.1758A>C, p.Glu586Asp (NM_000296.4); short protein forms E586D.
Identifiers: ClinVar variation 1807317 (VCV001807317.6), dbSNP rs766424461, ClinGen allele CA7833401.
Genomic context (GRCh38, chr16:2,116,083, plus strand): 5'-CCGCAGCTGGGCGGGCCGCCGGAGCTCCTGGGTCCCAAATTCGGCCGTGGTGAGGAAGGC[T>G]TCACGGCTCAGACGCAGGCCCGGGAATACCATGACCTGGTGGGCAGGGGGCCGCCTCAGC-3'
Protein context (NP_001009944.3, residues 576-596): MVFPGLRLSR[Glu586Asp]AFLTTAEFGT

ClinVar aggregate classification (germline): Conflicting classifications of pathogenicity. Review status: criteria provided, conflicting classifications (1 of 4 stars). 5 submissions from 5 submitters: Uncertain significance (3); Likely benign (2). Last evaluated 2026-01-12.

Conditions:
Polycystic kidney disease, adult type (PKD1). Also called: POLYCYSTIC KIDNEY DISEASE, ADULT, TYPE I; Polycystic Kidney, Autosomal Dominant; Polycystic Kidney Disease 1, Autosomal Dominant; Polycystic kidney disease 1; Polycystic kidney disease 1, severe; POLYCYSTIC KIDNEY DISEASE 1 WITH OR WITHOUT POLYCYSTIC LIVER DISEASE. Identifiers: MedGen C3149841, MONDO:0008263, OMIM 173900.
PKD1-related disorder. Also called: PKD1-related condition.

Allele frequency attached by ClinVar (database versions not stated): TOPMed 0.00012; gnomAD 0.00014; gnomAD exomes 0.00014; ExAC 0.00026.
gnomAD v4.1: 220 of 1,535,684 alleles (0.014%); highest among the groups gnomAD compares: Middle Eastern, 0.16%; no homozygotes.

Submissions (5):

PreventionGenetics, part of Exact Sciences
Classification: Uncertain significance for PKD1-related condition. Last evaluated: 2026-01-12. Review status: criteria provided, single submitter. Criteria: ACMG Guidelines, 2015. Collection method: clinical testing. Allele origin: germline.
Comment: The PKD1 c.1758A>C variant is predicted to result in the amino acid substitution p.Glu586Asp. This variant has been reported in patients with autosomal dominant polycystic kidney disease (ADPKD) (Supplementary Table 4, Garcia-Gonzalez et al. 2007. PubMed ID: 17574468; Alzahrani et al. 2022. PubMed ID: 36422197). It is listed as “likely benign” in a reputable ADPKD-specific variant database. This variant is reported in 0.033% of alleles in individuals of European (Non-Finnish) descent in gnomAD. Although we suspect that this variant may be benign, at this time, the clinical significance of this variant is uncertain due to the absence of conclusive functional and genetic evidence.

Mayo Clinic Laboratories, Mayo Clinic
Classification: Uncertain significance. Last evaluated: 2025-09-30. Review status: criteria provided, single submitter. Criteria: ACMG Guidelines, 2015. Collection method: clinical testing. Allele origin: germline. Observed: 2 variant alleles.
Comment: BP4_moderate

Blueprint Genetics
Classification: Likely benign. Last evaluated: 2024-11-13. Review status: criteria provided, single submitter. Criteria: ACMG Guidelines, 2015. Collection method: clinical testing. Allele origin: germline.

Department of Pathology and Laboratory Medicine, Sinai Health System
Classification: Likely benign for Polycystic kidney disease, adult type. Last evaluated: 2023-03-09. Review status: criteria provided, single submitter. Criteria: ACMG Guidelines, 2015. Collection method: clinical testing. Allele origin: germline.

Athena Diagnostics
Classification: Uncertain significance. Last evaluated: 2022-04-06. Review status: criteria provided, single submitter. Criteria: Athena Diagnostics Criteria. Collection method: clinical testing. Allele origin: unknown.

Literature cited by the submitters: PubMed 17574468 (cited by Mayo Clinic Laboratories, Mayo Clinic and Department of Pathology and Laboratory Medicine, Sinai Health System); PubMed 36422197 (cited by Mayo Clinic Laboratories, Mayo Clinic).